The following is an entry in ClinVar:

NM_001852.4(COL9A2):c.364-13C>T

Gene: COL9A2 (collagen type IX alpha 2 chain; minus strand). Cytogenetic location: 1p34.2.
Variant type: single nucleotide variant.
Coding change: c.364-13C>T on transcript NM_001852.4 (MANE Select); 13 bases into the intron before coding-DNA position 364, C replaced by T.
Molecular consequence: intron variant.
Genome position (GRCh38, 1-based): chr1:40,312,125, G>A on the plus strand (C>T on the coding strand, the complement: COL9A2 is on the minus strand). VCF-style: chr1-40312125-G-A. GRCh37 (hg19) VCF-style: chr1-40777797-G-A.
Identifiers: ClinVar variation 506470 (VCV000506470.13), dbSNP rs201709352, ClinGen allele CA791965.
Genomic context (GRCh38, chr1:40,312,125, plus strand): 5'-GCCTCGGATTCCAATCTCACCAGGGAGGCCAACAGGTCCAGGAGGCCCCTGGGGAGCAGA[G>A]AGTTGATGGTCAGGATGCCTCAGAGGGTCAGATACCCTGGGCACAAAGGTAGAGACAGGC-3'

ClinVar aggregate classification (germline): Benign/Likely benign. Review status: criteria provided, multiple submitters, no conflicts (2 of 4 stars). 5 submissions from 5 submitters: Benign (1); Likely benign (4). Last evaluated 2026-05-06.

Conditions:
COL9A2-related disorder. Also called: COL9A2-related condition.

Allele frequency attached by ClinVar (database versions not stated): gnomAD exomes 0.00021; ExAC 0.00034; 1000 Genomes Project 30x 0.00078; 1000 Genomes Project 0.00080; gnomAD 0.00084 and 0.00090; TOPMed 0.00102; ESP Exome Variant Server 0.00115.

Submissions (5):

PreventionGenetics, part of Exact Sciences
Classification: Likely benign for COL9A2-related condition. Last evaluated: 2026-05-06. Review status: criteria provided, single submitter. Criteria: ACMG Guidelines, 2015. Collection method: clinical testing. Allele origin: germline.
Comment: This variant is classified as likely benign based on ACMG/AMP sequence variant interpretation guidelines (Richards et al. 2015 PMID: 25741868, with internal and published modifications).

Labcorp Genetics (formerly Invitae), Labcorp
Classification: Benign. Last evaluated: 2025-11-20. Review status: criteria provided, single submitter. Criteria: Invitae Variant Classification Sherloc (09022015). Collection method: clinical testing. Allele origin: germline.

Women's Health and Genetics/Laboratory Corporation of America, LabCorp
Classification: Likely benign. Last evaluated: 2024-09-25. Review status: criteria provided, single submitter. Criteria: LabCorp Variant Classification Summary - May 2015. Collection method: clinical testing. Allele origin: germline.

Blueprint Genetics
Classification: Likely benign. Last evaluated: 2024-03-12. Review status: criteria provided, single submitter. Criteria: ACMG Guidelines, 2015. Collection method: clinical testing. Allele origin: germline.

GeneDx
Classification: Likely benign. Last evaluated: 2018-01-26. Review status: criteria provided, single submitter. Criteria: GeneDx Variant Classification (06012015). Collection method: clinical testing. Allele origin: germline. Affected: yes.
Comment: This variant is considered likely benign or benign based on one or more of the following criteria: it is a conservative change, it occurs at a poorly conserved position in the protein, it is predicted to be benign by multiple in silico algorithms, and/or has population frequency not consistent with disease.